The following is an entry in ClinVar:

NM_001384474.1(LOXHD1):c.2332G>A (p.Gly778Ser)

Gene: LOXHD1 (lipoxygenase homology PLAT domains 1; minus strand). Cytogenetic location: 18q21.1.
Variant type: single nucleotide variant.
Coding change: c.2332G>A on transcript NM_001384474.1 (MANE Select); coding-DNA position 2332, G replaced by A.
Protein change: p.Gly778Ser; replaces glycine 778 with serine.
Molecular consequence: missense variant.
Genome position (GRCh38, 1-based): chr18:46,566,362, C>T on the plus strand (G>A on the coding strand, the complement: LOXHD1 is on the minus strand). VCF-style: chr18-46566362-C-T. GRCh37 (hg19) VCF-style: chr18-44146325-C-T.
Other names: c.2332G>A, p.Gly778Ser (NM_144612.7); short protein forms G778S.
Identifiers: ClinVar variation 228818 (VCV000228818.5), dbSNP rs876657860, ClinGen allele CA10577080.
Genomic context (GRCh38, chr18:46,566,362, plus strand): 5'-GGCGCCCGTCAGCCTGGTTCTTGTCCAGCCAGCGGTTGGCGGGAAAGGTGTACTGCTTGC[C>T]TTGACGGGGCACACGGATCTGAACGCTGCCCAGGAACCAGCTGGCATGCATGCCAGTGCT-3'
Protein context (NP_001371403.1, residues 768-788): GSVQIRVPRQ[Gly778Ser]KQYTFPANRW

ClinVar aggregate classification (germline): Uncertain significance. Review status: criteria provided, single submitter (1 of 4 stars). 2 submissions from 2 submitters: Uncertain significance (1). 1 of the submissions does not count toward it. Last evaluated 2015-08-26.

Conditions:
Autosomal recessive nonsyndromic hearing loss 77. Identifiers: Orphanet 90636, MedGen C2746083, MONDO:0013119, OMIM 613079.

Allele frequency attached by ClinVar (database versions not stated): gnomAD exomes below 0.00001 and 0.00001.
gnomAD v4.1: 5 of 1,551,768 alleles (0.00032%); highest among the groups gnomAD compares: Non-Finnish European, 0.00044%; no homozygotes.

Submissions (2):

Laboratory for Molecular Medicine, Mass General Brigham Personalized Medicine
Classification: Uncertain significance. Last evaluated: 2015-08-26. Review status: criteria provided, single submitter. Criteria: LMM Criteria. Collection method: clinical testing. Allele origin: germline. Observed: 1 variant allele.
Comment: The p.Gly778Ser variant in LOXHD1 has not been previously reported in individual s with hearing loss or seen in large population studies. Computational predicti on tools and conservation analysis do not provide strong support for or against an impact to the protein. In summary, the clinical significance of the p.Gly778S er variant is uncertain.

Natera, Inc.
Classification: Uncertain significance for Autosomal recessive deafness type 77. Last evaluated: 2019-10-28. Review status: no assertion criteria provided. Collection method: clinical testing. Allele origin: germline. Not counted in ClinVar's aggregate classification.